The following is an entry in ClinVar:

ClinVar aggregate classification (germline): Uncertain significance (1 of 4 stars; one submission).

Conditions:
Nemaline myopathy 6 (NEM6). Also called: Nemaline myopathy 6, autosomal dominant. Identifiers: Orphanet 171439, MedGen C1836472, MONDO:0012237, OMIM 609273.

Submission:

Labcorp Genetics (formerly Invitae), Labcorp
Classification: Uncertain significance for Nemaline myopathy 6. Last evaluated: 2025-01-10. Review status: criteria provided, single submitter. Criteria: Invitae Variant Classification Sherloc (09022015). Collection method: clinical testing. Allele origin: germline.
Comment: This sequence change replaces alanine, which is neutral and non-polar, with aspartic acid, which is acidic and polar, at codon 86 of the KBTBD13 protein (p.Ala86Asp). This variant is not present in population databases (gnomAD no frequency). This variant has not been reported in the literature in individuals affected with KBTBD13-related conditions. Invitae Evidence Modeling of protein sequence and biophysical properties (such as structural, functional, and spatial information, amino acid conservation, physicochemical variation, residue mobility, and thermodynamic stability) indicates that this missense variant is not expected to disrupt KBTBD13 protein function with a negative predictive value of 80%. In summary, the available evidence is currently insufficient to determine the role of this variant in disease. Therefore, it has been classified as a Variant of Uncertain Significance.

NM_001101362.3(KBTBD13):c.257C>A (p.Ala86Asp)

Gene: KBTBD13 (kelch repeat and BTB domain containing 13; plus strand). Cytogenetic location: 15q22.31.
Variant type: single nucleotide variant.
Coding change: c.257C>A on transcript NM_001101362.3 (MANE Select); coding-DNA position 257, C replaced by A.
Protein change: p.Ala86Asp; replaces alanine 86 with aspartic acid.
Molecular consequence: missense variant.
Genome position (GRCh38, 1-based): chr15:65,077,072, C>A. VCF-style: chr15-65077072-C-A. GRCh37 (hg19) VCF-style: chr15-65369410-C-A.
Other names: short protein forms A86D.
Identifiers: ClinVar variation 3623425 (VCV003623425.2).
Genomic context (GRCh38, chr15:65,077,072, plus strand): 5'-GCGGCGACCGGCCGGCGCTGGCGGCGGAGGACGAGCTGCTGCAGGCCGTGGAGTGCGCCG[C>A]CTTCCTCCAGGCGCCGGCGCTGGCTCGCTTTCTGGAGCACAACCTCACGTCGGACAACTG-3'
Protein context (NP_001094832.1, residues 76-96): DELLQAVECA[Ala86Asp]FLQAPALARF